The following is an entry in ClinVar:

NM_001844.5(COL2A1):c.2257G>A (p.Gly753Ser)

Gene: COL2A1 (collagen type II alpha 1 chain; minus strand). Cytogenetic location: 12q13.11.
Variant type: single nucleotide variant.
Coding change: c.2257G>A on transcript NM_001844.5 (MANE Select); coding-DNA position 2257, G replaced by A.
Protein change: p.Gly753Ser; replaces glycine 753 with serine.
Molecular consequence: missense variant.
Genome position (GRCh38, 1-based): chr12:47,982,546, C>T on the plus strand (G>A on the coding strand, the complement: COL2A1 is on the minus strand). VCF-style: chr12-47982546-C-T. GRCh37 (hg19) VCF-style: chr12-48376329-C-T.
Other names: c.2050G>A, p.Gly684Ser (NM_033150.3); short protein forms G684S, G753S.
Identifiers: ClinVar variation 1322129 (VCV001322129.6), dbSNP rs2136549071, ClinGen allele CA384546055.

ClinVar aggregate classification (germline): Likely pathogenic (1 of 4 stars; one submission).

Submission:

Labcorp Genetics (formerly Invitae), Labcorp
Classification: Likely pathogenic. Last evaluated: 2022-07-21. Review status: criteria provided, single submitter. Criteria: Invitae Variant Classification Sherloc (09022015). Collection method: clinical testing. Allele origin: germline.
Comment: This sequence change replaces glycine, which is neutral and non-polar, with serine, which is neutral and polar, at codon 753 of the COL2A1 protein (p.Gly753Ser). This variant is not present in population databases (gnomAD no frequency). In summary, the currently available evidence indicates that the variant is pathogenic, but additional data are needed to prove that conclusively. Therefore, this variant has been classified as Likely Pathogenic. This variant disrupts the triple helix domain of COL2A1. Glycine residues within the Gly-Xaa-Yaa repeats of the triple helix domain are required for the structure and stability of fibrillar collagens (PMID: 7695699, 8218237, 19344236). In COL2A1, variants affecting these glycine residues are significantly enriched in individuals with disease (PMID: 9016532, 17078022) compared to the general population (ExAC). Advanced modeling of protein sequence and biophysical properties (such as structural, functional, and spatial information, amino acid conservation, physicochemical variation, residue mobility, and thermodynamic stability) performed at Invitae indicates that this missense variant is expected to disrupt COL2A1 protein function. ClinVar contains an entry for this variant (Variation ID: 1322129). This variant has not been reported in the literature in individuals affected with COL2A1-related conditions.

Literature cited by the submitters: PubMed 7695699; PubMed 8218237; PubMed 19344236; PubMed 9016532; PubMed 17078022.